The following is an entry in ClinVar:

ClinVar aggregate classification (germline): Uncertain significance (1 of 4 stars; one submission).

gnomAD v4.1: 1 of 1,612,946 alleles (0.000062%); highest among the groups gnomAD compares: Non-Finnish European, 0.000085%; no homozygotes.

Submission:

Labcorp Genetics (formerly Invitae), Labcorp
Classification: Uncertain significance. Last evaluated: 2025-04-23. Review status: criteria provided, single submitter. Criteria: Invitae Variant Classification Sherloc (09022015). Collection method: clinical testing. Allele origin: germline.
Comment: This sequence change replaces phenylalanine, which is neutral and non-polar, with leucine, which is neutral and non-polar, at codon 281 of the LIPI protein (p.Phe281Leu). This variant is not present in population databases (gnomAD no frequency). This variant has not been reported in the literature in individuals affected with LIPI-related conditions. An algorithm developed to predict the effect of missense changes on protein structure and function (PolyPhen-2) suggests that this variant is likely to be disruptive. In summary, the available evidence is currently insufficient to determine the role of this variant in disease. Therefore, it has been classified as a Variant of Uncertain Significance.

NM_001302998.2(LIPI):c.778T>C (p.Phe260Leu)

Gene: LIPI (lipase I; minus strand). Cytogenetic location: 21q11.2.
Variant type: single nucleotide variant.
Coding change: c.778T>C on transcript NM_001302998.2 (MANE Select); coding-DNA position 778, T replaced by C.
Protein change: p.Phe260Leu; replaces phenylalanine 260 with leucine.
Molecular consequence: missense variant. On other transcripts: intron variant (1).
Genome position (GRCh38, 1-based): chr21:14,165,346, A>G on the plus strand (T>C on the coding strand, the complement: LIPI is on the minus strand). VCF-style: chr21-14165346-A-G. GRCh37 (hg19) VCF-style: chr21-15537667-A-G.
Other names: c.688T>C, p.Phe230Leu (NM_001302999.2); c.778T>C, p.Phe260Leu (NM_001303000.2, NM_001303001.2); c.283T>C, p.Phe95Leu (NM_001379566.1); c.643T>C, p.Phe215Leu (NM_198996.4); c.734-61T>C (NM_001379565.1); short protein forms F215L, F230L, F260L, F95L.
Identifiers: ClinVar variation 4696928 (VCV004696928.1).